The following is an entry in ClinVar:

ClinVar aggregate classification (germline): Benign. Review status: criteria provided, multiple submitters, no conflicts (2 of 4 stars). 2 submissions from 2 submitters: Benign (2). Last evaluated 2018-01-13.

Conditions:
Amyotrophic neuralgia (HNA). Also called: AMYOTROPHY, HEREDITARY NEURALGIC; Hereditary Brachial Plexus Neuropathy; Neuritis with Brachial Predilection; AMYOTROPHY, HEREDITARY NEURALGIC, WITH PREDILECTION FOR BRACHIAL PLEXUS. Identifiers: Orphanet 2901, MedGen C1834304, MONDO:0008076, OMIM 162100.

Allele frequency attached by ClinVar (database versions not stated): ESP Exome Variant Server 0.41853; gnomAD 0.47153 and 0.48357; TOPMed 0.48708; gnomAD exomes 0.50027 and 0.53058; ExAC 0.55009; 1000 Genomes Project 30x 0.62305; 1000 Genomes Project 0.62939.
gnomAD v4.1: 294,752 of 595,912 alleles (49%); highest among the groups gnomAD compares: East Asian, 91%; 79,977 homozygotes.

Submissions (2):

Illumina Laboratory Services, Illumina
Classification: Benign for Amyotrophy, hereditary neuralgic. Last evaluated: 2018-01-13. Review status: criteria provided, single submitter. Criteria: ICSL Variant Classification Criteria 13 December 2019. Collection method: clinical testing. Allele origin: germline.
Comment: This variant was observed in the ICSL laboratory as part of a predisposition screen in an ostensibly healthy population. It had not been previously curated by ICSL or reported in the Human Gene Mutation Database (HGMD: prior to June 1st, 2018), and was therefore a candidate for classification through an automated scoring system. Utilizing variant allele frequency, disease prevalence and penetrance estimates, and inheritance mode, an automated score was calculated to assess if this variant is too frequent to cause the disease. Based on the score and internal cut-off values, a variant classified as benign is not then subjected to further curation. The score for this variant resulted in a classification of benign for this disease.

Breakthrough Genomics
Classification: Benign. Review status: criteria provided, single submitter. Criteria: ACMG Guidelines, 2015. Collection method: not provided. Allele origin: germline. Inheritance: Autosomal dominant inheritance. Affected: yes.

NM_001113491.2(SEPTIN9):c.*657T>C

Gene: SEPTIN9 (septin 9; plus strand). Cytogenetic location: 17q25.3.
Variant type: single nucleotide variant.
Coding change: c.*657T>C on transcript NM_001113491.2 (MANE Select); 657 bases downstream of the stop codon, T replaced by C.
Molecular consequence: 3 prime UTR variant.
Genome position (GRCh38, 1-based): chr17:77,499,315, T>C. VCF-style: chr17-77499315-T-C. GRCh37 (hg19) VCF-style: chr17-75495397-T-C.
Other names: c.*657T>C (NM_001113492.2, NM_001113493.2, NM_001113494.1 and 7 more transcripts).
Identifiers: ClinVar variation 325592 (VCV000325592.6), dbSNP rs9038, ClinGen allele CA8794021.